The following is an entry in ClinVar:

ClinVar aggregate classification (germline): Uncertain significance. Review status: criteria provided, multiple submitters, no conflicts (2 of 4 stars). 2 submissions from 2 submitters: Uncertain significance (2). Last evaluated 2025-11-14.

Allele frequency attached by ClinVar (database versions not stated): gnomAD 0.00001; TOPMed 0.00001.

Submissions (2):

Women's Health and Genetics/Laboratory Corporation of America, LabCorp
Classification: Uncertain significance. Last evaluated: 2025-11-14. Review status: criteria provided, single submitter. Criteria: LabCorp Variant Classification Summary - May 2015. Collection method: clinical testing. Allele origin: germline.
Comment: Variant summary: ADGRV1 c.18816T>G (p.Ser6272Arg) results in a non-conservative amino acid change in the encoded protein sequence. Algorithms developed to predict the effect of missense changes on protein structure and function are either unavailable or do not agree on the potential impact of this missense change. The variant was absent in 221886 control chromosomes. The available data on variant occurrences in the general population are insufficient to allow any conclusion about variant significance. To our knowledge, no occurrence of c.18816T>G in individuals affected with ADGRV1-related conditions and no experimental evidence demonstrating its impact on protein function have been reported. ClinVar contains an entry for this variant (Variation ID: 1806610). Based on the evidence outlined above, the variant was classified as uncertain significance.

GeneDx
Classification: Uncertain significance. Last evaluated: 2022-06-23. Review status: criteria provided, single submitter. Criteria: GeneDx Variant Classification Process June 2021. Collection method: clinical testing. Allele origin: germline. Affected: yes.
Comment: Not observed at significant frequency in large population cohorts (gnomAD); In silico analysis supports that this missense variant does not alter protein structure/function; Has not been previously published as pathogenic or benign to our knowledge

NM_032119.4(ADGRV1):c.18816T>G (p.Ser6272Arg)

Gene: ADGRV1 (adhesion G protein-coupled receptor V1; plus strand). Cytogenetic location: 5q14.3.
Variant type: single nucleotide variant.
Coding change: c.18816T>G on transcript NM_032119.4 (MANE Select); coding-DNA position 18816, T replaced by G.
Protein change: p.Ser6272Arg; replaces serine 6272 with arginine.
Molecular consequence: missense variant. On other transcripts: non-coding transcript variant (1).
Genome position (GRCh38, 1-based): chr5:91,163,795, T>G. VCF-style: chr5-91163795-T-G. GRCh37 (hg19) VCF-style: chr5-90459612-T-G.
Other names: short protein forms S6272R.
Identifiers: ClinVar variation 1806610 (VCV001806610.2), dbSNP rs1445068384, ClinGen allele CA360432863.